The following is an entry in ClinVar:

NM_006231.4(POLE):c.2706+3G>C

Gene: POLE (DNA polymerase epsilon, catalytic subunit; minus strand). Cytogenetic location: 12q24.33.
Variant type: single nucleotide variant.
Coding change: c.2706+3G>C on transcript NM_006231.4 (MANE Select); 3 bases into the intron after coding-DNA position 2706, G replaced by C.
Molecular consequence: intron variant.
Genome position (GRCh38, 1-based): chr12:132,664,001, C>G on the plus strand (G>C on the coding strand, the complement: POLE is on the minus strand). VCF-style: chr12-132664001-C-G. GRCh37 (hg19) VCF-style: chr12-133240587-C-G.
Other names: c.2706+3G>C (NM_006231.2).
Identifiers: ClinVar variation 1058165 (VCV001058165.8), dbSNP rs2042734486, ClinGen allele CA2499221533.

ClinVar aggregate classification (germline): Uncertain significance. Review status: criteria provided, multiple submitters, no conflicts (2 of 4 stars). 2 submissions from 2 submitters: Uncertain significance (2). Last evaluated 2026-09-11.

Conditions:
Hereditary cancer-predisposing syndrome. Also called: Tumor predisposition; Hereditary Cancer Syndrome; Hereditary neoplastic syndrome; Neoplastic Syndromes, Hereditary. Identifiers: Orphanet 140162, MedGen C0027672, MeSH D009386, MONDO:0015356.

Submissions (2):

Ambry Genetics
Classification: Uncertain significance for Hereditary cancer-predisposing syndrome. Last evaluated: 2026-09-11. Review status: criteria provided, single submitter. Criteria: Ambry Variant Classification Scheme 2023. Collection method: clinical testing. Allele origin: germline.
Comment: The c.2706+3G>C intronic variant results from a G to C substitution 3 nucleotides after coding exon 23 in the POLE gene. This nucleotide position is not well conserved in available vertebrate species. In silico splice site analysis predicts that this alteration will not have any significant effect on splicing. Based on the available evidence, the clinical significance of this variant remains unclear.

Labcorp Genetics (formerly Invitae), Labcorp
Classification: Uncertain significance. Last evaluated: 2024-07-31. Review status: criteria provided, single submitter. Criteria: Invitae Variant Classification Sherloc (09022015). Collection method: clinical testing. Allele origin: germline.
Comment: This sequence change falls in intron 23 of the POLE gene. It does not directly change the encoded amino acid sequence of the POLE protein. It affects a nucleotide within the consensus splice site. This variant is not present in population databases (gnomAD no frequency). This variant has not been reported in the literature in individuals affected with POLE-related conditions. ClinVar contains an entry for this variant (Variation ID: 1058165). Variants that disrupt the consensus splice site are a relatively common cause of aberrant splicing (PMID: 17576681, 9536098). Algorithms developed to predict the effect of sequence changes on RNA splicing suggest that this variant is not likely to affect RNA splicing. In summary, the available evidence is currently insufficient to determine the role of this variant in disease. Therefore, it has been classified as a Variant of Uncertain Significance.

Literature cited by the submitters: PubMed 17576681 (cited by Labcorp Genetics (formerly Invitae), Labcorp); PubMed 9536098 (cited by Labcorp Genetics (formerly Invitae), Labcorp).